The following is an entry in ClinVar:

NM_007194.4(CHEK2):c.586A>G (p.Asn196Asp)

Gene: CHEK2 (checkpoint kinase 2; minus strand). Cytogenetic location: 22q12.1.
Variant type: single nucleotide variant.
Coding change: c.586A>G on transcript NM_007194.4 (MANE Select); coding-DNA position 586, A replaced by G.
Protein change: p.Asn196Asp; replaces asparagine 196 with aspartic acid.
Molecular consequence: missense variant. On other transcripts: 5 prime UTR variant (2), intron variant (1).
Genome position (GRCh38, 1-based): chr22:28,724,983, T>C on the plus strand (A>G on the coding strand, the complement: CHEK2 is on the minus strand). VCF-style: chr22-28724983-T-C. GRCh37 (hg19) VCF-style: chr22-29120971-T-C.
Other names: c.715A>G, p.Asn239Asp (NM_001005735.3, NM_001438294.1); c.-192A>G (NM_001257387.3); c.-78A>G (NM_001437942.1); c.679A>G, p.Asn227Asp (NM_001438293.1, NM_001438295.1); c.586A>G, p.Asn196Asp (NM_145862.3); c.445-60A>G (NM_001349956.3); short protein forms N196D, N239D, N227D.
Identifiers: ClinVar variation 410018 (VCV000410018.16), dbSNP rs1060502693, ClinGen allele CA16616338.
Genomic context (GRCh38, chr22:28,724,983, plus strand): 5'-CCTATGAGAGAGTGGAAAAAAAAAATTCCAGTAACCATAAGATAATAATATTACCTTTAT[T>C]TCTGCTTAGTGACAGTGCAATTTCAGAATTGTTATTCAAAGGACGGCGTTTTCCTTTCCC-3'
Protein context (NP_009125.1, residues 186-206): NSEIALSLSR[Asn196Asp]KVFVFFDLTV

ClinVar aggregate classification (germline): Uncertain significance. Review status: criteria provided, multiple submitters, no conflicts (2 of 4 stars). 3 submissions from 3 submitters: Uncertain significance (3). Last evaluated 2026-05-12.

Conditions:
Hereditary cancer-predisposing syndrome. Also called: Hereditary Cancer Syndrome; Tumor predisposition; Hereditary neoplastic syndrome; Neoplastic Syndromes, Hereditary. Identifiers: Orphanet 140162, MedGen C0027672, MeSH D009386, MONDO:0015356.
Familial cancer of breast. Also called: Hereditary breast cancer; BREAST CANCER, FAMILIAL; hereditary breast carcinoma. Identifiers: Orphanet 227535, MedGen C0346153, MONDO:0016419, OMIM 114480. Disease mechanism: loss of function.

Submissions (3):

Ambry Genetics
Classification: Uncertain significance for Hereditary cancer-predisposing syndrome. Last evaluated: 2026-05-12. Review status: criteria provided, single submitter. Criteria: Ambry Variant Classification Scheme 2023. Collection method: clinical testing. Allele origin: germline.
Comment: The p.N196D variant (also known as c.586A>G), located in coding exon 3 of the CHEK2 gene, results from an A to G substitution at nucleotide position 586. The asparagine at codon 196 is replaced by aspartic acid, an amino acid with highly similar properties. This amino acid position is highly conserved in available vertebrate species. In addition, the in silico prediction for this alteration is inconclusive. Based on the available evidence, the clinical significance of this variant remains unclear.

Color Diagnostics, LLC DBA Color Health
Classification: Uncertain significance for Hereditary cancer-predisposing syndrome. Last evaluated: 2024-03-06. Review status: criteria provided, single submitter. Criteria: ACMG Guidelines, 2015. Collection method: clinical testing. Allele origin: germline.
Comment: This missense variant replaces asparagine with aspartic acid at codon 196 of the CHEK2 protein. Computational prediction suggests that this variant may not impact protein structure and function (internally defined REVEL score threshold <= 0.5, PMID: 27666373). To our knowledge, functional studies have not been reported for this variant. This variant has not been reported in individuals affected with hereditary cancer in the literature. This variant has not been identified in the general population by the Genome Aggregation Database (gnomAD). The available evidence is insufficient to determine the role of this variant in disease conclusively. Therefore, this variant is classified as a Variant of Uncertain Significance.

Labcorp Genetics (formerly Invitae), Labcorp
Classification: Uncertain significance for Familial cancer of breast. Last evaluated: 2023-07-30. Review status: criteria provided, single submitter. Criteria: Invitae Variant Classification Sherloc (09022015). Collection method: clinical testing. Allele origin: germline.
Comment: This sequence change replaces asparagine, which is neutral and polar, with aspartic acid, which is acidic and polar, at codon 196 of the CHEK2 protein (p.Asn196Asp). This variant is not present in population databases (gnomAD no frequency). This variant has not been reported in the literature in individuals affected with CHEK2-related conditions. ClinVar contains an entry for this variant (Variation ID: 410018). An algorithm developed to predict the effect of missense changes on protein structure and function (PolyPhen-2) suggests that this variant is likely to be disruptive. In summary, the available evidence is currently insufficient to determine the role of this variant in disease. Therefore, it has been classified as a Variant of Uncertain Significance.